The following is an entry in ClinVar:

ClinVar aggregate classification (germline): Pathogenic/Likely pathogenic. Review status: criteria provided, multiple submitters, no conflicts (2 of 4 stars). 2 submissions from 2 submitters: Pathogenic (1); Likely pathogenic (1). Last evaluated 2023-08-11.

Conditions:
Congenital myasthenic syndrome 4A. Also called: Myasthenic syndrome, congenital, 4a, slow-channel; MYASTHENIC SYNDROME, CONGENITAL, 4A, SLOW-CHANNEL, AUTOSOMAL RECESSIVE; CONGENITAL MYASTHENIC SYNDROME TYPE Ia1. Identifiers: Orphanet 590, MedGen C4225413, MONDO:0011600, OMIM 605809.

Allele frequency attached by ClinVar (database versions not stated): gnomAD exomes below 0.00001 and 0.00001; TOPMed 0.00002; gnomAD 0.00003.

Submissions (2):

Baylor Genetics
Classification: Likely pathogenic for Congenital myasthenic syndrome 4A. Last evaluated: 2023-08-11. Review status: criteria provided, single submitter. Criteria: ACMG Guidelines, 2015. Collection method: clinical testing. Allele origin: unknown.

Labcorp Genetics (formerly Invitae), Labcorp
Classification: Pathogenic for Congenital myasthenic syndrome 4A. Last evaluated: 2023-07-25. Review status: criteria provided, single submitter. Criteria: Invitae Variant Classification Sherloc (09022015). Collection method: clinical testing. Allele origin: germline.
Comment: This sequence change creates a premature translational stop signal (p.His336Argfs*43) in the CHRNE gene. It is expected to result in an absent or disrupted protein product. Loss-of-function variants in CHRNE are known to be pathogenic (PMID: 22678886). This variant is present in population databases (no rsID available, gnomAD 0.007%). This variant has not been reported in the literature in individuals affected with CHRNE-related conditions. ClinVar contains an entry for this variant (Variation ID: 1070884). For these reasons, this variant has been classified as Pathogenic.

Literature cited by the submitters: PubMed 22678886 (cited by Labcorp Genetics (formerly Invitae), Labcorp).

NM_000080.4(CHRNE):c.1007_1025del (p.His336fs)

Gene: CHRNE (cholinergic receptor nicotinic epsilon subunit; minus strand). Cytogenetic location: 17p13.2.
Variant type: Deletion.
Coding change: c.1007_1025del on transcript NM_000080.4 (MANE Select); coding-DNA positions 1007 to 1025, 19 bases deleted (ACGCCATGTCCCCGCGGCT).
Protein change: p.His336fs; shifts the reading frame from histidine 336.
Molecular consequence: frameshift variant.
Genome position (GRCh38, 1-based): chr17:4,899,475-4,899,493, AGCCGCGGGGACATGGCGT deleted on the plus strand (ACGCCATGTCCCCGCGGCT on the coding strand, the reverse complement: CHRNE is on the minus strand). VCF-style (leftmost placement, unchanged base first): chr17-4899474-CAGCCGCGGGGACATGGCGT-C. GRCh37 (hg19) VCF-style: chr17-4802769-CAGCCGCGGGGACATGGCGT-C.
Other names: short protein forms H336fs.
Identifiers: ClinVar variation 1070884 (VCV001070884.8), dbSNP rs1268475945, ClinGen allele CA624855919.